The following is an entry in ClinVar:

NM_001330078.2(NRXN1):c.-4G>A

Gene: NRXN1 (neurexin 1; minus strand). Cytogenetic location: 2p16.3.
Variant type: single nucleotide variant.
Coding change: c.-4G>A on transcript NM_001330078.2 (MANE Select); 4 bases upstream of the start codon, G replaced by A.
Molecular consequence: 5 prime UTR variant.
Genome position (GRCh38, 1-based): chr2:51,028,277, C>T on the plus strand (G>A on the coding strand, the complement: NRXN1 is on the minus strand). VCF-style: chr2-51028277-C-T. GRCh37 (hg19) VCF-style: chr2-51255415-C-T.
Other names: c.-4G>A (NM_001135659.3, NM_001330077.2, NM_001330079.2 and 15 more transcripts).
Identifiers: ClinVar variation 589986 (VCV000589986.5), dbSNP rs1558617962, ClinGen allele CA891842863.

ClinVar aggregate classification (germline): Uncertain significance (1 of 4 stars; one submission).

Conditions:
Inborn genetic diseases. Identifiers: MedGen C0950123, MeSH D030342.

Allele frequency attached by ClinVar (database versions not stated): gnomAD exomes below 0.00001; TOPMed below 0.00001.
gnomAD v4.1: 1 of 1,439,306 alleles (0.000069%); highest among the groups gnomAD compares: Non-Finnish European, 0.000091%; no homozygotes.

Submission:

Ambry Genetics
Classification: Uncertain significance for Inborn genetic diseases. Last evaluated: 2016-12-08. Review status: criteria provided, single submitter. Criteria: Ambry Variant Classification Scheme 2023. Collection method: clinical testing. Allele origin: germline.
Comment: The c.-4G>A variant is located in the 5' untranslated region (5&rsquo; UTR) of the NRXN1 gene. This variant results from a G to A substitution 4 bases upstream from the first translated codon. This nucleotide position is well conserved in available vertebrate species. Since supporting evidence is limited at this time, the clinical significance of this alteration remains unclear.